The following is an entry in ClinVar:

ClinVar aggregate classification (germline): Benign/Likely benign. Review status: criteria provided, multiple submitters, no conflicts (2 of 4 stars). 3 submissions from 3 submitters: Benign (1); Likely benign (2). Last evaluated 2025-06-12.

Conditions:
STT3B-congenital disorder of glycosylation. Also called: CDG Ix; Congenital disorder of glycosylation type 1x; STT3B-CDG. Identifiers: Orphanet 370924, MedGen C2931007, MONDO:0014271, OMIM 615597.

Allele frequency attached by ClinVar (database versions not stated): gnomAD exomes 0.00019; 1000 Genomes Project 30x 0.00047; ESP Exome Variant Server 0.00075; TOPMed 0.00101; ExAC 0.00121.
gnomAD v4.1: 254 of 1,295,966 alleles (0.02%); highest among the groups gnomAD compares: African/African-American, 0.34%; no homozygotes.

Submissions (3):

Labcorp Genetics (formerly Invitae), Labcorp
Classification: Benign for STT3B-congenital disorder of glycosylation. Last evaluated: 2025-06-12. Review status: criteria provided, single submitter. Criteria: Invitae Variant Classification Sherloc (09022015). Collection method: clinical testing. Allele origin: germline.

CeGaT Center for Human Genetics Tuebingen
Classification: Likely benign. Last evaluated: 2022-07-01. Review status: criteria provided, single submitter. Criteria: CeGaT Center For Human Genetics Tuebingen Variant Classification Criteria Version 2. Collection method: clinical testing. Allele origin: germline. Affected: yes. Observed: 1 variant allele.
Comment: STT3B: BP4, BP7

GeneDx
Classification: Likely benign. Last evaluated: 2017-12-01. Review status: criteria provided, single submitter. Criteria: GeneDx Variant Classification (06012015). Collection method: clinical testing. Allele origin: germline. Affected: yes.
Comment: This variant is considered likely benign or benign based on one or more of the following criteria: it is a conservative change, it occurs at a poorly conserved position in the protein, it is predicted to be benign by multiple in silico algorithms, and/or has population frequency not consistent with disease.

NM_178862.3(STT3B):c.141C>T (p.Gly47=)

Genes: STT3B (STT3 oligosaccharyltransferase complex catalytic subunit B; plus strand), LOC129936408 (ATAC-STARR-seq lymphoblastoid silent region 14162; plus strand). Cytogenetic location: 3p23.
Variant type: single nucleotide variant.
Coding change: c.141C>T on transcript NM_178862.3 (MANE Select); coding-DNA position 141, C replaced by T.
Protein change: p.Gly47=; no amino-acid change (glycine 47 retained).
Molecular consequence: synonymous variant.
Genome position (GRCh38, 1-based): chr3:31,533,139, C>T. VCF-style: chr3-31533139-C-T. GRCh37 (hg19) VCF-style: chr3-31574631-C-T.
Identifiers: ClinVar variation 513479 (VCV000513479.36), dbSNP rs367626371, ClinGen allele CA2294881.